The following is an entry in ClinVar:

ClinVar aggregate classification (germline): Uncertain significance. Review status: criteria provided, multiple submitters, no conflicts (2 of 4 stars). 2 submissions from 2 submitters: Uncertain significance (2). Last evaluated 2025-06-04.

Allele frequency attached by ClinVar (database versions not stated): TOPMed below 0.00001.
gnomAD v4.1: 11 of 1,610,616 alleles (0.00068%); highest among the groups gnomAD compares: Middle Eastern, 0.017%; no homozygotes.

Submissions (2):

Labcorp Genetics (formerly Invitae), Labcorp
Classification: Uncertain significance. Last evaluated: 2025-06-04. Review status: criteria provided, single submitter. Criteria: Invitae Variant Classification Sherloc (09022015). Collection method: clinical testing. Allele origin: germline.
Comment: This sequence change replaces cysteine, which is neutral and slightly polar, with serine, which is neutral and polar, at codon 954 of the PLEKHM2 protein (p.Cys954Ser). This variant is not present in population databases (gnomAD no frequency). This variant has not been reported in the literature in individuals affected with PLEKHM2-related conditions. ClinVar contains an entry for this variant (Variation ID: 2194484). An algorithm developed to predict the effect of missense changes on protein structure and function (PolyPhen-2) suggests that this variant is likely to be disruptive. In summary, the available evidence is currently insufficient to determine the role of this variant in disease. Therefore, it has been classified as a Variant of Uncertain Significance.

Ambry Genetics
Classification: Uncertain significance. Last evaluated: 2022-06-17. Review status: criteria provided, single submitter. Criteria: Ambry Variant Classification Scheme 2023. Collection method: clinical testing. Allele origin: germline.

NM_015164.4(PLEKHM2):c.2861G>C (p.Cys954Ser)

Gene: PLEKHM2 (pleckstrin homology and RUN domain containing M2; plus strand). Cytogenetic location: 1p36.21.
Variant type: single nucleotide variant.
Coding change: c.2861G>C on transcript NM_015164.4 (MANE Select); coding-DNA position 2861, G replaced by C.
Protein change: p.Cys954Ser; replaces cysteine 954 with serine.
Molecular consequence: missense variant.
Genome position (GRCh38, 1-based): chr1:15,732,667, G>C. VCF-style: chr1-15732667-G-C. GRCh37 (hg19) VCF-style: chr1-16059162-G-C.
Other names: c.2801G>C, p.Cys934Ser (NM_001410755.1); c.2861G>C (NM_015164.2); short protein forms C954S, C934S.
Identifiers: ClinVar variation 2194484 (VCV002194484.5), dbSNP rs1314519524, ClinGen allele CA338575829.